The following is an entry in ClinVar:

NM_001372044.2(SHANK3):c.3233A>G (p.Asp1078Gly)

Gene: SHANK3 (SH3 and multiple ankyrin repeat domains 3; plus strand). Cytogenetic location: 22q13.33.
Variant type: single nucleotide variant.
Coding change: c.3233A>G on transcript NM_001372044.2 (MANE Select); coding-DNA position 3233, A replaced by G.
Protein change: p.Asp1078Gly; replaces aspartic acid 1078 with glycine.
Molecular consequence: missense variant.
Genome position (GRCh38, 1-based): chr22:50,720,841, A>G. VCF-style: chr22-50720841-A-G. GRCh37 (hg19) VCF-style: chr22-51159269-A-G.
Other names: c.3008A>G (NM_033517.1); short protein forms D1078G.
Identifiers: ClinVar variation 3383471 (VCV003383471.1).

ClinVar aggregate classification (germline): Uncertain significance (1 of 4 stars; one submission).

Submission:

GeneDx
Classification: Uncertain significance. Last evaluated: 2024-05-29. Review status: criteria provided, single submitter. Criteria: GeneDx Variant Classification Process June 2021. Collection method: clinical testing. Allele origin: germline. Affected: yes.
Comment: Not observed at significant frequency in large population cohorts (gnomAD); In silico analysis indicates that this missense variant does not alter protein structure/function; Has not been previously published as pathogenic or benign to our knowledge